The following is an entry in ClinVar:

ClinVar aggregate classification (germline): Uncertain significance (1 of 4 stars; one submission).

Conditions:
Hereditary cancer-predisposing syndrome. Also called: Tumor predisposition; Hereditary neoplastic syndrome; Neoplastic Syndromes, Hereditary; Hereditary Cancer Syndrome. Identifiers: Orphanet 140162, MedGen C0027672, MeSH D009386, MONDO:0015356.

Submission:

Ambry Genetics
Classification: Uncertain significance for Hereditary cancer-predisposing syndrome. Last evaluated: 2025-04-24. Review status: criteria provided, single submitter. Criteria: Ambry Variant Classification Scheme 2023. Collection method: clinical testing. Allele origin: germline.
Comment: The p.D195N variant (also known as c.583G>A), located in coding exon 6 of the FANCC gene, results from a G to A substitution at nucleotide position 583. The aspartic acid at codon 195 is replaced by asparagine, an amino acid with highly similar properties. This amino acid position is conserved. In addition, this alteration is predicted to be tolerated by in silico analysis. Based on the available evidence, the clinical significance of this variant remains unclear.

NM_000136.3(FANCC):c.583G>A (p.Asp195Asn)

Genes: AOPEP (aminopeptidase O (putative); plus strand), FANCC (FA complementation group C; minus strand). Cytogenetic location: 9q22.32.
Variant type: single nucleotide variant.
Coding change: c.583G>A on transcript NM_000136.3 (MANE Select); coding-DNA position 583, G replaced by A.
Protein change: p.Asp195Asn; replaces aspartic acid 195 with asparagine.
Molecular consequence: missense variant.
Genome position (GRCh38, 1-based): chr9:95,150,026, C>T on the plus strand (G>A on the coding strand, the complement: FANCC is on the minus strand). VCF-style: chr9-95150026-C-T. GRCh37 (hg19) VCF-style: chr9-97912308-C-T.
Other names: c.583G>A, p.Asp195Asn (NM_001243743.2, NM_001243744.2); short protein forms D195N.
Identifiers: ClinVar variation 4022411 (VCV004022411.1).